The following is an entry in ClinVar:

NM_015559.3(SETBP1):c.2791G>A (p.Glu931Lys)

Gene: SETBP1 (SET binding protein 1; plus strand). Cytogenetic location: 18q12.3.
Variant type: single nucleotide variant.
Coding change: c.2791G>A on transcript NM_015559.3 (MANE Select); coding-DNA position 2791, G replaced by A.
Protein change: p.Glu931Lys; replaces glutamic acid 931 with lysine.
Molecular consequence: missense variant.
Genome position (GRCh38, 1-based): chr18:44,952,131, G>A. VCF-style: chr18-44952131-G-A. GRCh37 (hg19) VCF-style: chr18-42532096-G-A.
Other names: c.2791G>A, p.Glu931Lys (LRG_1150t1); short protein forms E931K.
Identifiers: ClinVar variation 378572 (VCV000378572.8), dbSNP rs369406638, ClinGen allele CA8945803.

ClinVar aggregate classification (germline): Conflicting classifications of pathogenicity. Review status: criteria provided, conflicting classifications (1 of 4 stars). 4 submissions from 4 submitters: Uncertain significance (2); Likely benign (2). Last evaluated 2025-04-13.

Conditions:
Inborn genetic diseases. Identifiers: MedGen C0950123, MeSH D030342.

Allele frequency attached by ClinVar (database versions not stated): gnomAD exomes 0.00001; ExAC 0.00002; ESP Exome Variant Server 0.00008; gnomAD 0.00001; TOPMed 0.00005.
gnomAD v4.1: 18 of 1,613,964 alleles (0.0011%); highest among the groups gnomAD compares: African/African-American, 0.0013%; no homozygotes.

Submissions (4):

Ambry Genetics
Classification: Uncertain significance for Inborn genetic diseases. Last evaluated: 2025-04-13. Review status: criteria provided, single submitter. Criteria: Ambry Variant Classification Scheme 2023. Collection method: clinical testing. Allele origin: germline.

Labcorp Genetics (formerly Invitae), Labcorp
Classification: Likely benign. Last evaluated: 2024-07-01. Review status: criteria provided, single submitter. Criteria: Invitae Variant Classification Sherloc (09022015). Collection method: clinical testing. Allele origin: germline.

GeneDx
Classification: Likely benign. Last evaluated: 2015-08-07. Review status: criteria provided, single submitter. Criteria: GeneDx Variant Classification (06012015). Collection method: clinical testing. Allele origin: germline. Affected: yes.
Comment: This variant is considered likely benign or benign based on one or more of the following criteria: it is a conservative change, it occurs at a poorly conserved position in the protein, it is predicted to be benign by multiple in silico algorithms, and/or has population frequency not consistent with disease.

ARUP Laboratories, Molecular Genetics and Genomics, ARUP Laboratories
Classification: Uncertain significance. Review status: criteria provided, single submitter. Criteria: ARUP Molecular Germline Variant Investigation Process 2024. Collection method: clinical testing. Allele origin: germline.